The following is an entry in ClinVar:

NM_005219.5(DIAPH1):c.2111C>T (p.Pro704Leu)

Gene: DIAPH1 (diaphanous related formin 1; minus strand). Cytogenetic location: 5q31.3.
Variant type: single nucleotide variant.
Coding change: c.2111C>T on transcript NM_005219.5 (MANE Select); coding-DNA position 2111, C replaced by T.
Protein change: p.Pro704Leu; replaces proline 704 with leucine.
Molecular consequence: missense variant.
Genome position (GRCh38, 1-based): chr5:141,573,739, G>A on the plus strand (C>T on the coding strand, the complement: DIAPH1 is on the minus strand). VCF-style: chr5-141573739-G-A. GRCh37 (hg19) VCF-style: chr5-140953306-G-A.
Other names: c.2084C>T, p.Pro695Leu (NM_001079812.3); c.2111C>T, p.Pro704Leu (NM_001314007.2); short protein forms P695L, P704L.
Identifiers: ClinVar variation 1016852 (VCV001016852.9), dbSNP rs1245809874, ClinGen allele CA361518150.

ClinVar aggregate classification (germline): Uncertain significance (1 of 4 stars; one submission).

Conditions:
Progressive microcephaly-seizures-cortical blindness-developmental delay syndrome. Also called: Seizures, cortical blindness, and microcephaly syndrome. Identifiers: Orphanet 477814, MedGen C5567650, MONDO:0014714, OMIM 616632.
Autosomal dominant nonsyndromic hearing loss 1. Also called: DEAFNESS, AUTOSOMAL DOMINANT 1, WITH OR WITHOUT THROMBOCYTOPENIA; KONIGSMARK SYNDROME. Identifiers: Orphanet 90635, MedGen C1852282, MONDO:0007424, OMIM 124900.

Allele frequency attached by ClinVar (database versions not stated): gnomAD 0.00001.

Submission:

Labcorp Genetics (formerly Invitae), Labcorp
Classification: Uncertain significance for Progressive microcephaly-seizures-cortical blindness-developmental delay syndrome; Autosomal dominant nonsyndromic hearing loss 1. Last evaluated: 2024-05-26. Review status: criteria provided, single submitter. Criteria: Invitae Variant Classification Sherloc (09022015). Collection method: clinical testing. Allele origin: germline.
Comment: This sequence change replaces proline, which is neutral and non-polar, with leucine, which is neutral and non-polar, at codon 704 of the DIAPH1 protein (p.Pro704Leu). This variant is present in population databases (no rsID available, gnomAD 0.001%). This variant has not been reported in the literature in individuals affected with DIAPH1-related conditions. ClinVar contains an entry for this variant (Variation ID: 1016852). Experimental studies and prediction algorithms are not available or were not evaluated, and the functional significance of this variant is currently unknown. In summary, the available evidence is currently insufficient to determine the role of this variant in disease. Therefore, it has been classified as a Variant of Uncertain Significance.